The following is an entry in ClinVar:

ClinVar aggregate classification (germline): Uncertain significance (1 of 4 stars; one submission).

Submission:

GeneDx
Classification: Uncertain significance. Last evaluated: 2022-11-08. Review status: criteria provided, single submitter. Criteria: GeneDx Variant Classification Process June 2021. Collection method: clinical testing. Allele origin: germline. Affected: yes.
Comment: Not observed at significant frequency in large population cohorts (gnomAD); Frameshift variant predicted to result in protein truncation or nonsense mediated decay in a gene for which loss of function is not a well-established mechanism of disease; Has not been previously published as pathogenic or benign to our knowledge

NM_003242.6(TGFBR2):c.413dup (p.Cys138fs)

Gene: TGFBR2 (transforming growth factor beta receptor 2; plus strand). Cytogenetic location: 3p24.1.
Variant type: Duplication.
Coding change: c.413dup on transcript NM_003242.6 (MANE Select); coding-DNA position 413, one base duplicated (G; older notation c.413dupG).
Protein change: p.Cys138fs; shifts the reading frame from cysteine 138.
Molecular consequence: frameshift variant. On other transcripts: intron variant (2).
Genome position (GRCh38, 1-based): chr3:30,650,419, G duplicated. VCF-style (leftmost placement, unchanged base first): chr3-30650418-T-TG. GRCh37 (hg19) VCF-style: chr3-30691910-T-TG.
Other names: c.488dup, p.Cys163fs (NM_001024847.3, NM_001407126.1, NM_001407139.1); c.413dup, p.Cys138fs (NM_001407127.1, NM_001407130.1); c.440dup, p.Cys147fs (NM_001407128.1); c.308dup, p.Cys103fs (NM_001407129.1, NM_001407132.1, NM_001407133.1 and 3 more transcripts); c.170-21219dup (NM_001407137.1); c.95-21219dup (NM_001407138.1); short protein forms C103fs, C138fs, C147fs, C163fs.
Identifiers: ClinVar variation 2501552 (VCV002501552.1), dbSNP rs2470521472, ClinGen allele CA2580614158.
Genomic context (GRCh38, chr3:30,650,418, plus strand): 5'-TCTCCAAAGTGCATTATGAAGGAAAAAAAAAAGCCTGGTGAGACTTTCTTCATGTGTTCC[T>TG]GTAGCTCTGATGAGTGCAATGACAACATCATCTTCTCAGAAGGTGAGTTTTCTTCTCTTA-3'